The following is an entry in ClinVar:

ClinVar aggregate classification (germline): Benign/Likely benign. Review status: criteria provided, multiple submitters, no conflicts (2 of 4 stars). 3 submissions from 3 submitters: Benign (1); Likely benign (2). Last evaluated 2026-06-17.

Conditions:
Gastrointestinal stromal tumor. Also called: Gastrointestinal stroma tumor; Gastrointestinal stromal tumor, somatic. Identifiers: Orphanet 44890, MedGen C0238198, MeSH D046152, MONDO:0011719, OMIM 606764, HP:0100723.
Polyps, multiple and recurrent inflammatory fibroid, gastrointestinal. Identifiers: MedGen C5193005, MONDO:0008285, OMIM 175510.
Hereditary cancer-predisposing syndrome. Also called: Tumor predisposition; Hereditary Cancer Syndrome; Hereditary neoplastic syndrome; Neoplastic Syndromes, Hereditary. Identifiers: Orphanet 140162, MedGen C0027672, MeSH D009386, MONDO:0015356.

Allele frequency attached by ClinVar (database versions not stated): gnomAD exomes below 0.00001; TOPMed below 0.00001; ExAC 0.00001; gnomAD 0.00001.
gnomAD v4.1: 3 of 1,614,058 alleles (0.00019%); highest among the groups gnomAD compares: Admixed American, 0.0017%; no homozygotes.

Submissions (3):

Myriad Genetics, Inc.
Classification: Benign for Polyps, multiple and recurrent inflammatory fibroid, gastrointestinal. Last evaluated: 2026-06-17. Review status: criteria provided, single submitter. Criteria: Myriad Autosomal Dominant, Autosomal Recessive and X-Linked Classification Criteria (2023). Collection method: clinical testing. Allele origin: unknown.
Comment: This variant is considered benign. This variant is a silent/synonymous amino acid change and it is not expected to impact splicing.

Labcorp Genetics (formerly Invitae), Labcorp
Classification: Likely benign for Gastrointestinal stromal tumor. Last evaluated: 2026-02-01. Review status: criteria provided, single submitter. Criteria: Invitae Variant Classification Sherloc (09022015). Collection method: clinical testing. Allele origin: germline.

Ambry Genetics
Classification: Likely benign for Hereditary cancer-predisposing syndrome. Last evaluated: 2022-04-25. Review status: criteria provided, single submitter. Criteria: Ambry Variant Classification Scheme 2023. Collection method: clinical testing. Allele origin: germline.

NM_006206.6(PDGFRA):c.1746T>C (p.Tyr582=)

Gene: PDGFRA (platelet derived growth factor receptor alpha; plus strand). Cytogenetic location: 4q12.
Variant type: single nucleotide variant.
Coding change: c.1746T>C on transcript NM_006206.6 (MANE Select); coding-DNA position 1746, T replaced by C.
Protein change: p.Tyr582=; no amino-acid change (tyrosine 582 retained).
Molecular consequence: synonymous variant.
Genome position (GRCh38, 1-based): chr4:54,274,933, T>C. VCF-style: chr4-54274933-T-C. GRCh37 (hg19) VCF-style: chr4-55141100-T-C.
Other names: c.1746T>C, p.Tyr582= (NM_001347827.2, NM_001347829.2); c.1821T>C, p.Tyr607= (NM_001347828.2); c.1785T>C, p.Tyr595= (NM_001347830.2).
Identifiers: ClinVar variation 1155010 (VCV001155010.12), dbSNP rs781449082, ClinGen allele CA2922669.